The following is an entry in ClinVar:

ClinVar aggregate classification (germline): Uncertain significance (1 of 4 stars; one submission).

Conditions:
Inborn genetic diseases. Identifiers: MedGen C0950123, MeSH D030342.

gnomAD v4.1: 11 of 1,613,882 alleles (0.00068%); highest among the groups gnomAD compares: Non-Finnish European, 0.00093%; no homozygotes.

Submission:

Ambry Genetics
Classification: Uncertain significance for Inborn genetic diseases. Last evaluated: 2025-02-03. Review status: criteria provided, single submitter. Criteria: Ambry Variant Classification Scheme 2023. Collection method: clinical testing. Allele origin: germline.
Comment: The p.E287D variant (also known as c.861A>C), located in coding exon 4 of the FANCM gene, results from an A to C substitution at nucleotide position 861. The glutamic acid at codon 287 is replaced by aspartic acid, an amino acid with highly similar properties. This amino acid position is conserved. In addition, this alteration is predicted to be tolerated by in silico analysis. Based on the available evidence, the clinical significance of this variant remains unclear.

NM_020937.4(FANCM):c.861A>C (p.Glu287Asp)

Gene: FANCM (FA complementation group M; plus strand). Cytogenetic location: 14q21.2.
Variant type: single nucleotide variant.
Coding change: c.861A>C on transcript NM_020937.4 (MANE Select); coding-DNA position 861, A replaced by C.
Protein change: p.Glu287Asp; replaces glutamic acid 287 with aspartic acid.
Molecular consequence: missense variant.
Genome position (GRCh38, 1-based): chr14:45,148,938, A>C. VCF-style: chr14-45148938-A-C. GRCh37 (hg19) VCF-style: chr14-45618141-A-C.
Other names: c.783A>C, p.Glu261Asp (NM_001308133.2); c.861A>C, p.Glu287Asp (NM_001308134.2); short protein forms E261D, E287D.
Identifiers: ClinVar variation 3848693 (VCV003848693.1).
Genomic context (GRCh38, chr14:45,148,938, plus strand): 5'-AGAGCTTCGTTCTGAAGATTCTCCAGATATTTTGACATATTCTCATGAAAGAAAAGTTGA[A>C]AAGCTTATTGTTCCGCTTGGTGAAGAACTTGCAGCCATCCAAAAGACCTATATCCAGGTA-3'
Protein context (NP_065988.1, residues 277-297): ILTYSHERKV[Glu287Asp]KLIVPLGEEL